The following is an entry in ClinVar:

NM_016151.4(TAOK2):c.1393C>T (p.His465Tyr)

Gene: TAOK2 (TAO kinase 2; plus strand). Cytogenetic location: 16p11.2.
Variant type: single nucleotide variant.
Coding change: c.1393C>T on transcript NM_016151.4 (MANE Select); coding-DNA position 1393, C replaced by T.
Protein change: p.His465Tyr; replaces histidine 465 with tyrosine.
Molecular consequence: missense variant.
Genome position (GRCh38, 1-based): chr16:29,983,635, C>T. VCF-style: chr16-29983635-C-T. GRCh37 (hg19) VCF-style: chr16-29994956-C-T.
Other names: c.1393C>T, p.His465Tyr (NM_001252043.2, NM_004783.4); short protein forms H465Y.
Identifiers: ClinVar variation 3654569 (VCV003654569.2).

ClinVar aggregate classification (germline): Uncertain significance (1 of 4 stars; one submission).

Submission:

Labcorp Genetics (formerly Invitae), Labcorp
Classification: Uncertain significance. Last evaluated: 2024-05-28. Review status: criteria provided, single submitter. Criteria: Invitae Variant Classification Sherloc (09022015). Collection method: clinical testing. Allele origin: germline.
Comment: This sequence change replaces histidine, which is basic and polar, with tyrosine, which is neutral and polar, at codon 465 of the TAOK2 protein (p.His465Tyr). This variant is present in population databases (no rsID available, gnomAD 0.0009%). This variant has not been reported in the literature in individuals affected with TAOK2-related conditions. An algorithm developed to predict the effect of missense changes on protein structure and function (PolyPhen-2) suggests that this variant is likely to be disruptive. In summary, the available evidence is currently insufficient to determine the role of this variant in disease. Therefore, it has been classified as a Variant of Uncertain Significance.